The following is an entry in ClinVar:

ClinVar aggregate classification (germline): Uncertain significance. Review status: criteria provided, multiple submitters, no conflicts (2 of 4 stars). 2 submissions from 2 submitters: Uncertain significance (2). Last evaluated 2025-10-08.

Allele frequency attached by ClinVar (database versions not stated): gnomAD exomes 0.00002; TOPMed 0.00002; gnomAD 0.00003; ExAC 0.00007.

Submissions (2):

Labcorp Genetics (formerly Invitae), Labcorp
Classification: Uncertain significance. Last evaluated: 2025-10-08. Review status: criteria provided, single submitter. Criteria: Invitae Variant Classification Sherloc (09022015). Collection method: clinical testing. Allele origin: germline.
Comment: This sequence change replaces alanine, which is neutral and non-polar, with threonine, which is neutral and polar, at codon 481 of the FUK protein (p.Ala481Thr). The frequency data for this variant in the population databases is considered unreliable, as metrics indicate poor data quality at this position in the gnomAD database. This variant has not been reported in the literature in individuals affected with FUK-related conditions. ClinVar contains an entry for this variant (Variation ID: 3094270). An algorithm developed to predict the effect of missense changes on protein structure and function outputs the following: PolyPhen-2: "Benign". The threonine amino acid residue is found in multiple mammalian species, which suggests that this missense change does not adversely affect protein function. Algorithms developed to predict the effect of sequence changes on RNA splicing suggest that this variant may create or strengthen a splice site. In summary, the available evidence is currently insufficient to determine the role of this variant in disease. Therefore, it has been classified as a Variant of Uncertain Significance.

Ambry Genetics
Classification: Uncertain significance. Last evaluated: 2021-12-17. Review status: criteria provided, single submitter. Criteria: Ambry Variant Classification Scheme 2023. Collection method: clinical testing. Allele origin: germline.

NM_145059.3(FCSK):c.1441G>A (p.Ala481Thr)

Gene: FCSK (fucose kinase; plus strand). Cytogenetic location: 16q22.1.
Variant type: single nucleotide variant.
Coding change: c.1441G>A on transcript NM_145059.3 (MANE Select); coding-DNA position 1441, G replaced by A.
Protein change: p.Ala481Thr; replaces alanine 481 with threonine.
Molecular consequence: missense variant.
Genome position (GRCh38, 1-based): chr16:70,473,017, G>A. VCF-style: chr16-70473017-G-A. GRCh37 (hg19) VCF-style: chr16-70506920-G-A.
Other names: short protein forms A481T.
Identifiers: ClinVar variation 3094270 (VCV003094270.3), dbSNP rs754447175, ClinGen allele CA8143350.